The following is an entry in ClinVar:

NM_152467.5(KLHL10):c.118G>A (p.Asp40Asn)

Gene: KLHL10 (kelch like family member 10; plus strand). Cytogenetic location: 17q21.2.
Variant type: single nucleotide variant.
Coding change: c.118G>A on transcript NM_152467.5 (MANE Select); coding-DNA position 118, G replaced by A.
Protein change: p.Asp40Asn; replaces aspartic acid 40 with asparagine.
Molecular consequence: missense variant. On other transcripts: 5 prime UTR variant (1).
Genome position (GRCh38, 1-based): chr17:41,838,050, G>A. VCF-style: chr17-41838050-G-A. GRCh37 (hg19) VCF-style: chr17-39994302-G-A.
Other names: c.118G>A, p.Asp40Asn (NM_001329595.1); c.-85G>A (NM_001329596.2); short protein forms D40N.
Identifiers: ClinVar variation 5007649 (VCV005007649.1).
Genomic context (GRCh38, chr17:41,838,050, plus strand): 5'-AAGATGAGTGCGATGGCCTGTGAGATCTTCAACGAGCTTAGACTAGAGGGCAAGCTCTGC[G>A]ACGTGGTCATCAAGGTCAATGGCTTTGAGTTCAGTGCCCATAAGAACATCCTCTGTAGCT-3'
Protein context (NP_689680.2, residues 30-50): NELRLEGKLC[Asp40Asn]VVIKVNGFEF

ClinVar aggregate classification (germline): Uncertain significance (1 of 4 stars; one submission).

Conditions:
Spermatogenic failure 11 (SPGF11). Identifiers: MedGen C3554453, MONDO:0014037, OMIM 615081.

gnomAD v4.1: 4 of 1,614,072 alleles (0.00025%); highest among the groups gnomAD compares: Non-Finnish European, 0.00034%; no homozygotes.

Submission:

Juno Genomics, Hangzhou Juno Genomics, Inc
Classification: Uncertain significance for Spermatogenic failure 11. Review status: criteria provided, single submitter. Criteria: ACMG Guidelines, 2015. Collection method: clinical testing. Allele origin: germline. Affected: yes.
Comment: Absent from controls (or at extremely low frequency if recessive) in Genome Aggregation Database.;Multiple lines of computational evidence support a deleterious effect on the gene or gene product.;Missense variant in a gene that has a low rate of benign missense variation.